The following is an entry in ClinVar:

ClinVar aggregate classification (germline): Uncertain significance. Review status: criteria provided, multiple submitters, no conflicts (2 of 4 stars). 2 submissions from 2 submitters: Uncertain significance (2). Last evaluated 2025-06-09.

Conditions:
Hereditary cancer-predisposing syndrome. Also called: Neoplastic Syndromes, Hereditary; Tumor predisposition; Hereditary Cancer Syndrome; Hereditary neoplastic syndrome. Identifiers: Orphanet 140162, MedGen C0027672, MeSH D009386, MONDO:0015356.

Submissions (2):

Labcorp Genetics (formerly Invitae), Labcorp
Classification: Uncertain significance. Last evaluated: 2025-06-09. Review status: criteria provided, single submitter. Criteria: Invitae Variant Classification Sherloc (09022015). Collection method: clinical testing. Allele origin: germline.
Comment: This sequence change replaces valine, which is neutral and non-polar, with alanine, which is neutral and non-polar, at codon 160 of the POLE protein (p.Val160Ala). This variant is not present in population databases (gnomAD no frequency). This variant has not been reported in the literature in individuals affected with POLE-related conditions. ClinVar contains an entry for this variant (Variation ID: 2118293). Invitae Evidence Modeling of protein sequence and biophysical properties (such as structural, functional, and spatial information, amino acid conservation, physicochemical variation, residue mobility, and thermodynamic stability) indicates that this missense variant is expected to disrupt POLE protein function with a positive predictive value of 80%. In summary, the available evidence is currently insufficient to determine the role of this variant in disease. Therefore, it has been classified as a Variant of Uncertain Significance.

Ambry Genetics
Classification: Uncertain significance for Hereditary cancer-predisposing syndrome. Last evaluated: 2025-03-18. Review status: criteria provided, single submitter. Criteria: Ambry Variant Classification Scheme 2023. Collection method: clinical testing. Allele origin: germline.
Comment: The p.V160A variant (also known as c.479T>C), located in coding exon 6 of the POLE gene, results from a T to C substitution at nucleotide position 479. The valine at codon 160 is replaced by alanine, an amino acid with similar properties. This amino acid position is conserved. In addition, this alteration is predicted to be tolerated by in silico analysis. Based on the available evidence, the clinical significance of this variant remains unclear.

NM_006231.4(POLE):c.479T>C (p.Val160Ala)

Gene: POLE (DNA polymerase epsilon, catalytic subunit; minus strand). Cytogenetic location: 12q24.33.
Variant type: single nucleotide variant.
Coding change: c.479T>C on transcript NM_006231.4 (MANE Select); coding-DNA position 479, T replaced by C.
Protein change: p.Val160Ala; replaces valine 160 with alanine.
Molecular consequence: missense variant.
Genome position (GRCh38, 1-based): chr12:132,679,596, A>G on the plus strand (T>C on the coding strand, the complement: POLE is on the minus strand). VCF-style: chr12-132679596-A-G. GRCh37 (hg19) VCF-style: chr12-133256182-A-G.
Other names: c.479T>C (NM_006231.2); short protein forms V160A.
Identifiers: ClinVar variation 2118293 (VCV002118293.5), dbSNP rs2136027543, ClinGen allele CA387367296.